The following is an entry in ClinVar:

NM_000138.5(FBN1):c.2689G>A (p.Gly897Ser)

Gene: FBN1 (fibrillin 1; minus strand). Cytogenetic location: 15q21.1.
Variant type: single nucleotide variant.
Coding change: c.2689G>A on transcript NM_000138.5 (MANE Select); coding-DNA position 2689, G replaced by A.
Protein change: p.Gly897Ser; replaces glycine 897 with serine.
Molecular consequence: missense variant.
Genome position (GRCh38, 1-based): chr15:48,494,243, C>T on the plus strand (G>A on the coding strand, the complement: FBN1 is on the minus strand). VCF-style: chr15-48494243-C-T. GRCh37 (hg19) VCF-style: chr15-48786440-C-T.
Other names: short protein forms G897S.
Identifiers: ClinVar variation 1172393 (VCV001172393.3), dbSNP rs2141302435, ClinGen allele CA392331706.

ClinVar aggregate classification (germline): Uncertain significance (1 of 4 stars; one submission).

Conditions:
Familial thoracic aortic aneurysm and aortic dissection (TAAD). Also called: Thoracic aortic aneurysms and dissections. Identifiers: Orphanet 91387, MedGen C4707243, MONDO:0019625.

Submission:

Color Diagnostics, LLC DBA Color Health
Classification: Uncertain significance for Familial thoracic aortic aneurysm and aortic dissection. Last evaluated: 2024-03-06. Review status: criteria provided, single submitter. Criteria: ACMG Guidelines, 2015. Collection method: clinical testing. Allele origin: germline.
Comment: This missense variant replaces glycine with serine at codon 897 of the FBN1 protein. Computational prediction suggests that this variant may not impact protein structure and function (internally defined REVEL score threshold <= 0.5, PMID: 27666373). To our knowledge, functional studies have not been reported for this variant. This variant has not been reported in individuals affected with cardiovascular disorders in the literature. This variant has not been identified in the general population by the Genome Aggregation Database (gnomAD). The available evidence is insufficient to determine the role of this variant in disease conclusively. Therefore, this variant is classified as a Variant of Uncertain Significance.